The following is an entry in ClinVar:

ClinVar aggregate classification (germline): Uncertain significance (1 of 4 stars; one submission).

Conditions:
Cardiovascular phenotype. Identifiers: MedGen CN230736.

Allele frequency attached by ClinVar (database versions not stated): gnomAD exomes below 0.00001; ExAC 0.00001.
gnomAD v4.1: 1 of 1,614,188 alleles (0.000062%); highest among the groups gnomAD compares: Non-Finnish European, 0.000085%; no homozygotes.

Submission:

Ambry Genetics
Classification: Uncertain significance for Cardiovascular phenotype. Last evaluated: 2020-10-26. Review status: criteria provided, single submitter. Criteria: Ambry Variant Classification Scheme 2023. Collection method: clinical testing. Allele origin: germline.
Comment: The p.C106R variant (also known as c.316T>C), located in coding exon 2 of the CAV3 gene, results from a T to C substitution at nucleotide position 316. The cysteine at codon 106 is replaced by arginine, an amino acid with highly dissimilar properties. This amino acid position is highly conserved in available vertebrate species. In addition, this alteration is predicted to be deleterious by in silico analysis. Since supporting evidence is limited at this time, the clinical significance of this alteration remains unclear.

NM_033337.3(CAV3):c.316T>C (p.Cys106Arg)

Genes: CAV3 (caveolin 3; plus strand), OXTR (oxytocin receptor; minus strand). Cytogenetic location: 3p25.3.
Variant type: single nucleotide variant.
Coding change: c.316T>C on transcript NM_033337.3 (MANE Select); coding-DNA position 316, T replaced by C.
Protein change: p.Cys106Arg; replaces cysteine 106 with arginine.
Molecular consequence: missense variant.
Genome position (GRCh38, 1-based): chr3:8,745,727, T>C. VCF-style: chr3-8745727-T-C. GRCh37 (hg19) VCF-style: chr3-8787413-T-C.
Other names: c.316T>C, p.Cys106Arg (NM_001234.5); short protein forms C106R.
Identifiers: ClinVar variation 1728424 (VCV001728424.2), dbSNP rs756736448, ClinGen allele CA2236352.